The following is an entry in ClinVar:

NM_000540.3(RYR1):c.13689G>T (p.Leu4563=)

Gene: RYR1 (ryanodine receptor 1; plus strand). Cytogenetic location: 19q13.2.
Variant type: single nucleotide variant.
Coding change: c.13689G>T on transcript NM_000540.3 (MANE Select); coding-DNA position 13689, G replaced by T.
Protein change: p.Leu4563=; no amino-acid change (leucine 4563 retained).
Molecular consequence: synonymous variant.
Genome position (GRCh38, 1-based): chr19:38,570,636, G>T. VCF-style: chr19-38570636-G-T. GRCh37 (hg19) VCF-style: chr19-39061276-G-T.
Other names: c.13674G>T, p.Leu4558= (NM_001042723.2).
Identifiers: ClinVar variation 5041520 (VCV005041520.1).
Genomic context (GRCh38, chr19:38,570,636, plus strand): 5'-GCGCTTTCTCTCTTTTTCTCTTCTCTCTCAGAACTACCTGTCCCGGAACTTTTACACCCT[G>T]CGGTTCCTTGCCCTCTTCTTGGCATTTGCCATCAACTTCATCTTGCTGTTTTATAAGGTG-3'
Protein context (NP_000531.2, residues 4553-4573): LNYLSRNFYT[Leu4563=]RFLALFLAFA

ClinVar aggregate classification (germline): Uncertain significance (1 of 4 stars; one submission).

gnomAD v4.1: 1 of 1,614,024 alleles (0.000062%); highest among the groups gnomAD compares: South Asian, 0.0011%; no homozygotes.

Submission:

CeGaT Center for Human Genetics Tuebingen
Classification: Uncertain significance. Last evaluated: 2026-09-01. Review status: criteria provided, single submitter. Criteria: CeGaT Center For Human Genetics Tuebingen Variant Classification Criteria Version 2. Collection method: clinical testing. Allele origin: germline. Affected: yes. Observed: 1 variant allele.
Comment: RYR1: PM2:Supporting, BP4